The following is an entry in ClinVar:

NM_000444.6(PHEX):c.1966-3_1971dup

Genes: PHEX (phosphate regulating endopeptidase X-linked; plus strand), PTCHD1-AS (PTCHD1 and PHEX antisense RNA; minus strand). Cytogenetic location: Xp22.11.
Variant type: Duplication.
Coding change: c.1966-3_1971dup on transcript NM_000444.6 (MANE Select); 3 bases into the intron before coding-DNA position 1966 through coding-DNA position 1971, 9 bases duplicated (CAGGCTTAC; older notation c.1966-3_1971dupCAGGCTTAC).
Molecular consequence: splice acceptor variant. On other transcripts: non-coding transcript variant (1).
Genome position (GRCh38, 1-based): chrX:22,227,504-22,227,512, CAGGCTTAC duplicated; duplicating any 9 consecutive bases within chrX:22,227,502-22,227,512 gives the same sequence; the c. name uses the placement nearest the transcript's 3' end. VCF-style (leftmost placement, unchanged base first): chrX-22227501-C-CACCAGGCTT. GRCh37 (hg19) VCF-style: chrX-22245618-C-CACCAGGCTT.
Other names: c.1966-3_1971dup (NM_001282754.2).
Identifiers: ClinVar variation 3720270 (VCV003720270.2).

ClinVar aggregate classification (germline): Likely pathogenic (1 of 4 stars; one submission).

Submission:

Labcorp Genetics (formerly Invitae), Labcorp
Classification: Likely pathogenic. Last evaluated: 2025-04-11. Review status: criteria provided, single submitter. Criteria: Invitae Variant Classification Sherloc (09022015). Collection method: clinical testing. Allele origin: germline.
Comment: This variant, c.1966-3_1971dup, results in the insertion of 3 amino acid(s) of the PHEX protein (p.Tyr657_Arg658insGlnAlaTyr), but otherwise preserves the integrity of the reading frame. This variant is not present in population databases (gnomAD no frequency). This variant has been observed in individual(s) with hypophosphatemic rickets (internal data). In at least one individual the variant was observed to be de novo. ClinVar contains an entry for this variant (Variation ID: 3720270). Experimental studies and prediction algorithms are not available or were not evaluated, and the functional significance of this variant is currently unknown. In summary, the currently available evidence indicates that the variant is pathogenic, but additional data are needed to prove that conclusively. Therefore, this variant has been classified as Likely Pathogenic.